The following is an entry in ClinVar:

ClinVar aggregate classification (germline): Likely benign. Review status: criteria provided, multiple submitters, no conflicts (2 of 4 stars). 2 submissions from 2 submitters: Likely benign (2). Last evaluated 2025-03-04.

gnomAD v4.1: 73 of 1,573,088 alleles (0.0046%); highest among the groups gnomAD compares: Middle Eastern, 0.017%; no homozygotes.

Submissions (2):

Center for Genomic Medicine, Rigshospitalet, Copenhagen University Hospital
Classification: Likely benign. Last evaluated: 2025-03-04. Review status: criteria provided, single submitter. Criteria: ACMG Guidelines, 2015. Collection method: clinical testing. Allele origin: germline.
Comment: Classification criteria: BP4, BP7

Blueprint Genetics
Classification: Likely benign. Last evaluated: 2024-09-05. Review status: criteria provided, single submitter. Criteria: ACMG Guidelines, 2015. Collection method: clinical testing. Allele origin: germline.

NM_000535.7(PMS2):c.2276-46C>T

Gene: PMS2 (PMS1 homolog 2, mismatch repair system component; minus strand). Cytogenetic location: 7p22.1.
Variant type: single nucleotide variant.
Coding change: c.2276-46C>T on transcript NM_000535.7 (MANE Select); 46 bases into the intron before coding-DNA position 2276, C replaced by T.
Molecular consequence: intron variant.
Genome position (GRCh38, 1-based): chr7:5,977,803, G>A on the plus strand (C>T on the coding strand, the complement: PMS2 is on the minus strand). VCF-style: chr7-5977803-G-A. GRCh37 (hg19) VCF-style: chr7-6017434-G-A.
Other names: c.1958-46C>T (NM_001322008.2, NM_001406883.1, NM_001322007.2); c.1967-46C>T (NM_001406881.1, NM_001406879.1, NM_001322015.2 and 4 more transcripts); c.1871-46C>T (NM_001406895.1, NM_001322004.2, NM_001406889.1 and 11 more transcripts); c.1505-46C>T (NM_001406911.1); c.1715-46C>T (NM_001322010.2, NM_001406906.1, NM_001406907.1); c.1802-46C>T (NM_001406902.1, NM_001406901.1); c.1763-46C>T (NM_001406904.1, NM_001406905.1); c.1703-46C>T (NM_001322013.2, NM_001406908.1, NM_001406909.1); and 20 more.
Identifiers: ClinVar variation 3765427 (VCV003765427.2).